The following is an entry in ClinVar:

ClinVar aggregate classification (germline): Conflicting classifications of pathogenicity. Review status: criteria provided, conflicting classifications (1 of 4 stars). 3 submissions from 3 submitters: Uncertain significance (1); Likely benign (2). Last evaluated 2026-01-26.

Conditions:
Hereditary cancer-predisposing syndrome. Also called: Tumor predisposition; Neoplastic Syndromes, Hereditary; Hereditary Cancer Syndrome; Hereditary neoplastic syndrome. Identifiers: Orphanet 140162, MedGen C0027672, MeSH D009386, MONDO:0015356.
Birt-Hogg-Dube syndrome. Also called: Birt Hogg Dubé syndrome. Identifiers: Orphanet 122, MedGen C0346010, MONDO:0800444.

Submissions (3):

Labcorp Genetics (formerly Invitae), Labcorp
Classification: Likely benign for Birt-Hogg-Dube syndrome. Last evaluated: 2026-01-26. Review status: criteria provided, single submitter. Criteria: Invitae Variant Classification Sherloc (09022015). Collection method: clinical testing. Allele origin: germline.

Ambry Genetics
Classification: Likely benign for Hereditary cancer-predisposing syndrome. Last evaluated: 2025-08-01. Review status: criteria provided, single submitter. Criteria: Ambry Variant Classification Scheme 2023. Collection method: clinical testing. Allele origin: germline.

Quest Diagnostics Nichols Institute San Juan Capistrano
Classification: Uncertain significance. Last evaluated: 2023-07-04. Review status: criteria provided, single submitter. Criteria: Quest Diagnostics criteria. Collection method: clinical testing. Allele origin: unknown.
Comment: To the best of our knowledge, this variant has not been reported in the published literature. The frequency of this variant in the general population, 0.000004 (1/251420 chromosomes (Genome Aggregation Database)), is uninformative in the assessment of its pathogenicity. Analysis of this variant using software algorithms for the prediction of the effect of nucleotide changes on FLCN mRNA splicing yielded inconclusive findings . Based on the available information, we are unable to determine the clinical significance of this variant.

NM_144997.7(FLCN):c.1433-5C>A

Gene: FLCN (folliculin; minus strand). Cytogenetic location: 17p11.2.
Variant type: single nucleotide variant.
Coding change: c.1433-5C>A on transcript NM_144997.7 (MANE Select); 5 bases into the intron before coding-DNA position 1433, C replaced by A.
Molecular consequence: intron variant.
Genome position (GRCh38, 1-based): chr17:17,215,095, G>T on the plus strand (C>A on the coding strand, the complement: FLCN is on the minus strand). VCF-style: chr17-17215095-G-T. GRCh37 (hg19) VCF-style: chr17-17118409-G-T.
Other names: c.1433-5C>A (LRG_325t1, NM_001353231.2, NM_001353230.2 and 1 more transcripts); c.1487-5C>A (NM_001353229.2).
Identifiers: ClinVar variation 485614 (VCV000485614.14), dbSNP rs781046590, ClinGen allele CA625314016.